The following is an entry in ClinVar:

NM_004415.4(DSP):c.1420-1G>T

Gene: DSP (desmoplakin; plus strand). Cytogenetic location: 6p24.3.
Variant type: single nucleotide variant.
Coding change: c.1420-1G>T on transcript NM_004415.4 (MANE Select); the canonical splice acceptor site of the intron before coding-DNA position 1420, G replaced by T.
Molecular consequence: splice acceptor variant.
Genome position (GRCh38, 1-based): chr6:7,569,185, G>T. VCF-style: chr6-7569185-G-T. GRCh37 (hg19) VCF-style: chr6-7569418-G-T.
Other names: c.1420-1G>T (NM_001319034.2, NM_001008844.3).
Identifiers: ClinVar variation 405233 (VCV000405233.8), dbSNP rs1060500609, ClinGen allele CA16612070.

ClinVar aggregate classification (germline): Likely pathogenic (1 of 4 stars; one submission).

Conditions:
Arrhythmogenic cardiomyopathy with wooly hair and keratoderma. Also called: PALMOPLANTAR KERATODERMA WITH LEFT VENTRICULAR CARDIOMYOPATHY AND WOOLLY HAIR; Carvajal syndrome; Dilated cardiomyopathy with woolly hair and keratoderma; Arrhythmogenic cardiomyopathy with woolly hair and keratoderma. Identifiers: Orphanet 65282, MedGen C1854063, MONDO:0011581, OMIM 605676.
Arrhythmogenic right ventricular dysplasia 8 (ARVD8). Also called: Arrhythmogenic Right Ventricular Dysplasia/Cardiomyopathy 8; ARRHYTHMOGENIC RIGHT VENTRICULAR DYSPLASIA, FAMILIAL, 8; ARRHYTHMOGENIC RIGHT VENTRICULAR CARDIOMYOPATHY 8. Identifiers: MedGen C1843896, MONDO:0011831, OMIM 607450.

gnomAD v4.1: 1 of 1,614,188 alleles (0.000062%); no homozygotes.

Submission:

Labcorp Genetics (formerly Invitae), Labcorp
Classification: Likely pathogenic for Arrhythmogenic cardiomyopathy with wooly hair and keratoderma; Arrhythmogenic right ventricular dysplasia 8. Last evaluated: 2022-03-19. Review status: criteria provided, single submitter. Criteria: Invitae Variant Classification Sherloc (09022015). Collection method: clinical testing. Allele origin: germline.
Comment: In summary, the currently available evidence indicates that the variant is pathogenic, but additional data are needed to prove that conclusively. Therefore, this variant has been classified as Likely Pathogenic. Algorithms developed to predict the effect of sequence changes on RNA splicing suggest that this variant may disrupt the consensus splice site. ClinVar contains an entry for this variant (Variation ID: 405233). This variant has not been reported in the literature in individuals affected with DSP-related conditions. This variant is not present in population databases (gnomAD no frequency). This sequence change affects an acceptor splice site in intron 11 of the DSP gene. It is expected to disrupt RNA splicing. Variants that disrupt the donor or acceptor splice site typically lead to a loss of protein function (PMID: 16199547), and loss-of-function variants in DSP are known to be pathogenic (PMID: 20716751, 24503780, 25227139).

Literature cited by the submitters: PubMed 16199547; PubMed 20716751; PubMed 24503780; PubMed 25227139.